The following is an entry in ClinVar:

NM_024996.7(GFM1):c.636del (p.Gly213fs)

Gene: GFM1 (G elongation factor mitochondrial 1; plus strand). Cytogenetic location: 3q25.32.
Variant type: Deletion.
Coding change: c.636del on transcript NM_024996.7 (MANE Select); coding-DNA position 636, one base deleted (A; older notation c.636delA).
Protein change: p.Gly213fs; shifts the reading frame from glycine 213.
Molecular consequence: frameshift variant. On other transcripts: intron variant (3), non-coding transcript variant (2).
Genome position (GRCh38, 1-based): chr3:158,649,104, A deleted; the last of 3 consecutive A bases (chr3:158,649,102-158,649,104); deleting any one gives the same sequence. VCF-style (leftmost placement, unchanged base first): chr3-158649101-TA-T. GRCh37 (hg19) VCF-style: chr3-158366890-TA-T.
Other names: c.636del, p.Gly213fs (NM_001308164.2, NM_001308166.2, NM_001374355.1); c.411del, p.Gly138fs (NM_001374357.1); c.69del, p.Gly24fs (NM_001374359.1, NM_001374360.1); c.6-2992del (NM_001374361.1); c.235-2996del (NM_001374358.1); c.572+2157del (NM_001374356.1); c.636del (NM_024996.5); short protein forms G138fs, G213fs, G24fs.
Identifiers: ClinVar variation 2675918 (VCV002675918.3), dbSNP rs2473949135, ClinGen allele CA2668341941.

ClinVar aggregate classification (germline): Likely pathogenic (1 of 4 stars; one submission).

Conditions:
Hepatoencephalopathy due to combined oxidative phosphorylation defect type 1. Also called: HEPATOENCEPHALOPATHY, EARLY FATAL PROGRESSIVE. Identifiers: Orphanet 137681, MedGen C1836797, MONDO:0012191, OMIM 609060.

Submission:

Natera, Inc.
Classification: Likely pathogenic for Combined oxidative phosphorylation deficiency 1. Last evaluated: 2025-08-08. Review status: criteria provided, single submitter. Criteria: Natera Variant Classification Schema (03/2026). Collection method: clinical testing. Allele origin: germline.
Comment: The c.636del variant in GFM1 is a frameshift variant predicted to shift the reading frame beginning at codon 213 and leads to a stop codon 3 codons downstream. This variant is expected to result in nonsense mediated decay, truncation, or a dysfunctional protein product. This variant is rare in the general population with a frequency below the threshold expected for the associated phenotype(s). Given the available evidence, this variant is classified as Likely Pathogenic.